The following is an entry in ClinVar:

NM_015102.5(NPHP4):c.453-1G>C

Gene: NPHP4 (nephrocystin 4; minus strand). Cytogenetic location: 1p36.31.
Variant type: single nucleotide variant.
Coding change: c.453-1G>C on transcript NM_015102.5 (MANE Select); the canonical splice acceptor site of the intron before coding-DNA position 453, G replaced by C.
Molecular consequence: splice acceptor variant.
Genome position (GRCh38, 1-based): chr1:5,967,364, C>G on the plus strand (G>C on the coding strand, the complement: NPHP4 is on the minus strand). VCF-style: chr1-5967364-C-G. GRCh37 (hg19) VCF-style: chr1-6027424-C-G.
Other names: c.-914-1G>C (NM_001291594.2); c.-777-1G>C (NM_001291593.2).
Identifiers: ClinVar variation 5006925 (VCV005006925.2).

ClinVar aggregate classification (germline): Likely pathogenic (1 of 4 stars; one submission).

Conditions:
Senior-Loken syndrome 4 (SLSN4). Identifiers: Orphanet 3156, MedGen C1846979, MONDO:0011756, OMIM 606996.
Nephronophthisis 4 (NPHP4). Also called: NEPHRONOPHTHISIS 4, JUVENILE. Identifiers: Orphanet 655, MedGen C1847013, MONDO:0011752, OMIM 606966.

Submission:

Juno Genomics, Hangzhou Juno Genomics, Inc
Classification: Likely pathogenic for Nephronophthisis 4; Senior-Loken syndrome 4. Review status: criteria provided, single submitter. Criteria: ACMG Guidelines, 2015. Collection method: clinical testing. Allele origin: germline.
Comment: Null variant in a gene where loss of function (LOF) is a known mechanism of disease.;Absent from controls (or at extremely low frequency if recessive) in Genome Aggregation Database.